The following is an entry in ClinVar:

NM_001276345.2(TNNT2):c.238T>C (p.Phe80Leu)

Gene: TNNT2 (troponin T2, cardiac type; minus strand). Cytogenetic location: 1q32.1.
Variant type: single nucleotide variant.
Coding change: c.238T>C on transcript NM_001276345.2 (MANE Select); coding-DNA position 238, T replaced by C.
Protein change: p.Phe80Leu; replaces phenylalanine 80 with leucine.
Molecular consequence: missense variant.
Genome position (GRCh38, 1-based): chr1:201,365,666, A>G on the plus strand (T>C on the coding strand, the complement: TNNT2 is on the minus strand). VCF-style: chr1-201365666-A-G. GRCh37 (hg19) VCF-style: chr1-201334794-A-G.
Other names: c.238T>C, p.Phe80Leu (NM_000364.4); c.208T>C, p.Phe70Leu (NM_001001430.3, NM_001001431.3, NM_001276347.2); c.193T>C, p.Phe65Leu (NM_001001432.3); c.235T>C, p.Phe79Leu (NM_001276346.2); short protein forms F70L, F80L, F79L, F65L.
Identifiers: ClinVar variation 264128 (VCV000264128.17), dbSNP rs886039053, ClinGen allele CA10587418.

ClinVar aggregate classification (germline): Uncertain significance. Review status: criteria provided, multiple submitters, no conflicts (2 of 4 stars). 9 submissions from 7 submitters: Uncertain significance (9). Last evaluated 2025-07-20.

Conditions:
Cardiovascular phenotype. Identifiers: MedGen CN230736.
Cardiomyopathy, familial restrictive, 3. Identifiers: Orphanet 75249, MedGen C2676271, MONDO:0012900, OMIM 612422.
Dilated cardiomyopathy 1D. Identifiers: Orphanet 154, Orphanet 54260, MedGen C1832243, MONDO:0011095, OMIM 601494.
Hypertrophic cardiomyopathy 2. Also called: TNNT2-Related Familial Hypertrophic Cardiomyopathy. Identifiers: MedGen C1861864, MONDO:0007266, OMIM 115195.
Cardiomyopathy (CMYO). Also called: Cardiomyopathies. Identifiers: Orphanet 167848, MedGen C0878544, MONDO:0004994, HP:0001638. Inheritance: Various modes of inheritance.

Allele frequency attached by ClinVar (database versions not stated): gnomAD exomes below 0.00001.
gnomAD v4.1: 2 of 1,613,846 alleles (0.00012%); highest among the groups gnomAD compares: East Asian, 0.0022%; no homozygotes.

Submissions (9):

Labcorp Genetics (formerly Invitae), Labcorp
Classification: Uncertain significance for Cardiomyopathy, familial restrictive, 3; Hypertrophic cardiomyopathy 2; Dilated cardiomyopathy 1D. Last evaluated: 2025-07-20. Review status: criteria provided, single submitter. Criteria: Invitae Variant Classification Sherloc (09022015). Collection method: clinical testing. Allele origin: germline.
Comment: This sequence change replaces phenylalanine, which is neutral and non-polar, with leucine, which is neutral and non-polar, at codon 70 of the TNNT2 protein (p.Phe70Leu). This variant is not present in population databases (gnomAD no frequency). This missense change has been observed in individual(s) with hypertrophic cardiomyopathy (PMID: 12707239, 38186735). ClinVar contains an entry for this variant (Variation ID: 264128). Invitae Evidence Modeling of protein sequence and biophysical properties (such as structural, functional, and spatial information, amino acid conservation, physicochemical variation, residue mobility, and thermodynamic stability) indicates that this missense variant is not expected to disrupt TNNT2 protein function with a negative predictive value of 80%. In summary, the available evidence is currently insufficient to determine the role of this variant in disease. Therefore, it has been classified as a Variant of Uncertain Significance.

Ambry Genetics
Classification: Uncertain significance for Cardiovascular phenotype. Last evaluated: 2024-08-21. Review status: criteria provided, single submitter. Criteria: Ambry Variant Classification Scheme 2023. Collection method: clinical testing. Allele origin: germline.
Comment: The p.F70L variant (also known as c.208T>C), located in coding exon 7 of the TNNT2 gene, results from a T to C substitution at nucleotide position 208. The phenylalanine at codon 70 is replaced by leucine, an amino acid with highly similar properties. This alteration has been reported in hypertrophic cardiomyopathy (HCM) cohort (Richard P et al. Circulation, 2003 May;107:2227-32; Phan PD et al. JRSM Cardiovasc Dis, 2024 Jan;13:20480040231220100). This amino acid position is highly conserved in available vertebrate species. In addition, this alteration is predicted to be deleterious by in silico analysis. Based on the available evidence, the clinical significance of this variant remains unclear.

All of Us Research Program, National Institutes of Health
Classification: Uncertain significance for Cardiomyopathy. Last evaluated: 2024-04-16. Review status: criteria provided, single submitter. Criteria: ACMG Guidelines, 2015. Collection method: clinical testing. Allele origin: germline. Inheritance: Autosomal dominant inheritance. Observed: 1 variant allele, 1 heterozygote.
Comment: This missense variant replaces phenylalanine with leucine at codon 70 of the TNNT2 protein. Computational prediction tools indicate that this variant's impact on protein structure and function is inconclusive. To our knowledge, functional studies have not been reported for this variant. This variant has been reported in two individuals affected with hypertrophic cardiomyopathy (PMID: 12707239, 38186735). This variant has not been identified in the general population by the Genome Aggregation Database (gnomAD). The available evidence is insufficient to determine the role of this variant in disease conclusively. Therefore, this variant is classified as a Variant of Uncertain Significance.

This study involves interpretation of variants in research participants for the purpose of population health screening. Participant phenotype was not available at the time of variant classification. Additional details can be found in publication PMID: 35346344, PMCID: PMC8962531

Color Diagnostics, LLC DBA Color Health
Classification: Uncertain significance for Cardiomyopathy. Last evaluated: 2024-03-29. Review status: criteria provided, single submitter. Criteria: ACMG Guidelines, 2015. Collection method: clinical testing. Allele origin: germline.
Comment: This missense variant replaces phenylalanine with leucine at codon 70 of the TNNT2 protein. Computational prediction tools indicate that this variant's impact on protein structure and function is inconclusive. To our knowledge, functional studies have not been reported for this variant. This variant has been reported in two individuals affected with hypertrophic cardiomyopathy (PMID: 12707239, 38186735). This variant has not been identified in the general population by the Genome Aggregation Database (gnomAD). The available evidence is insufficient to determine the role of this variant in disease conclusively. Therefore, this variant is classified as a Variant of Uncertain Significance.

Genome-Nilou Lab
Classification: Uncertain significance for Dilated cardiomyopathy 1D. Last evaluated: 2023-04-11. Review status: criteria provided, single submitter. Criteria: ACMG Guidelines, 2015. Collection method: clinical testing. Allele origin: germline. Affected: no.

Genome-Nilou Lab
Classification: Uncertain significance for Cardiomyopathy, familial restrictive, 3. Last evaluated: 2023-04-11. Review status: criteria provided, single submitter. Criteria: ACMG Guidelines, 2015. Collection method: clinical testing. Allele origin: germline. Affected: no.

Genome-Nilou Lab
Classification: Uncertain significance for Hypertrophic cardiomyopathy 2. Last evaluated: 2023-04-11. Review status: criteria provided, single submitter. Criteria: ACMG Guidelines, 2015. Collection method: clinical testing. Allele origin: germline. Affected: no.

Blueprint Genetics
Classification: Uncertain significance. Last evaluated: 2020-12-28. Review status: criteria provided, single submitter. Criteria: ACMG Guidelines, 2015. Collection method: clinical testing. Allele origin: germline.

GeneDx
Classification: Uncertain significance. Last evaluated: 2019-04-17. Review status: criteria provided, single submitter. Criteria: GeneDx Variant Classification Process June 2021. Collection method: clinical testing. Allele origin: germline. Affected: yes.
Comment: Not observed in large population cohorts (Lek et al., 2016); In silico analysis, which includes protein predictors and evolutionary conservation, supports a deleterious effect; Reported in ClinVar but additional evidence is not available (ClinVar Variant ID 264128; Landrum et al., 2016); This variant is associated with the following publications: (PMID: 15201162, 15631686, 26183555, 20031601, 12707239)

Literature cited by the submitters: PubMed 12707239 (cited by 4 submitters); PubMed 38186735 (cited by 4 submitters); PubMed 15201162 (cited by Ambry Genetics); PubMed 15631686 (cited by Ambry Genetics); PubMed 20031601 (cited by Ambry Genetics).